The following is an entry in ClinVar:

NC_000023.10:g.(?_76907584)_(77381327_?)dup

Genes: ATP7A (ATPase copper transporting alpha; plus strand), ATRX (ATRX chromatin remodeler; minus strand), COX7B (cytochrome c oxidase subunit 7B; plus strand), MAGT1 (magnesium transporter 1; minus strand), PGAM4 (phosphoglycerate mutase family member 4; minus strand) and 1 more. Cytogenetic location: Xq21.1.
Variant type: Duplication.
Identifiers: ClinVar variation 3244497 (VCV003244497.1).

ClinVar aggregate classification (germline): Uncertain significance (1 of 4 stars; one submission).

Conditions:
Alpha thalassemia-X-linked intellectual disability syndrome (ATRX). Also called: ALPHA-THALASSEMIA/MENTAL RETARDATION SYNDROME, X-LINKED; ATR, NONDELETION TYPE; ATR-X syndrome; Alpha thalassemia mental retardation syndrome, nondeletion type, X-linked; XLMR hypotonic face syndrome; X-linked alpha-thalassemia-mental retardation syndrome. Identifiers: Orphanet 847, MedGen C1845055, MONDO:0010519, OMIM 301040.

Submission:

Labcorp Genetics (formerly Invitae), Labcorp
Classification: Uncertain significance for Alpha thalassemia-X-linked intellectual disability syndrome. Last evaluated: 2023-05-13. Review status: criteria provided, single submitter. Criteria: Invitae Variant Classification Sherloc (09022015). Collection method: clinical testing. Allele origin: unknown.
Comment: In summary, the available evidence is currently insufficient to determine the role of this variant in disease. Therefore, it has been classified as a Variant of Uncertain Significance. Experimental studies and prediction algorithms are not available or were not evaluated, and the functional significance of this variant is currently unknown. This variant has not been reported in the literature in individuals affected with ATRX-related conditions. This variant results in a copy number gain of the genomic region encompassing exon(s) 1-15 of the ATRX gene. This region includes the initiator codon of the gene. This copy number gain extends beyond the assayed region for this gene and therefore may encompass additional genes. As the precise location of this event is unknown, it may be in tandem or it may be located elsewhere in the genome.